The following is an entry in ClinVar:

ClinVar aggregate classification (germline): Uncertain significance (1 of 4 stars; one submission).

Conditions:
Congenital contractural arachnodactyly (CCA). Also called: Beals-Hecht syndrome; BEALS SYNDROME; Arthrogryposis, distal, type 9. Identifiers: Orphanet 115, MedGen C0220668, MONDO:0007363, OMIM 121050.

Allele frequency attached by ClinVar (database versions not stated): gnomAD exomes below 0.00001; TOPMed below 0.00001.

Submission:

Labcorp Genetics (formerly Invitae), Labcorp
Classification: Uncertain significance for Congenital contractural arachnodactyly. Last evaluated: 2022-08-18. Review status: criteria provided, single submitter. Criteria: Invitae Variant Classification Sherloc (09022015). Collection method: clinical testing. Allele origin: germline.
Comment: In summary, the available evidence is currently insufficient to determine the role of this variant in disease. Therefore, it has been classified as a Variant of Uncertain Significance. Advanced modeling of protein sequence and biophysical properties (such as structural, functional, and spatial information, amino acid conservation, physicochemical variation, residue mobility, and thermodynamic stability) performed at Invitae indicates that this missense variant is not expected to disrupt FBN2 protein function. This variant has not been reported in the literature in individuals affected with FBN2-related conditions. This variant is not present in population databases (gnomAD no frequency). This sequence change replaces glutamic acid, which is acidic and polar, with lysine, which is basic and polar, at codon 2006 of the FBN2 protein (p.Glu2006Lys).

NM_001999.4(FBN2):c.6016G>A (p.Glu2006Lys)

Gene: FBN2 (fibrillin 2; minus strand). Cytogenetic location: 5q23.3.
Variant type: single nucleotide variant.
Coding change: c.6016G>A on transcript NM_001999.4 (MANE Select); coding-DNA position 6016, G replaced by A.
Protein change: p.Glu2006Lys; replaces glutamic acid 2006 with lysine.
Molecular consequence: missense variant.
Genome position (GRCh38, 1-based): chr5:128,301,412, C>T on the plus strand (G>A on the coding strand, the complement: FBN2 is on the minus strand). VCF-style: chr5-128301412-C-T. GRCh37 (hg19) VCF-style: chr5-127637104-C-T.
Other names: short protein forms E2006K.
Identifiers: ClinVar variation 1937998 (VCV001937998.5), dbSNP rs1749714095, ClinGen allele CA360766709.